The following is an entry in ClinVar:

ClinVar aggregate classification (germline): Uncertain significance. Review status: criteria provided, multiple submitters, no conflicts (2 of 4 stars). 2 submissions from 2 submitters: Uncertain significance (2). Last evaluated 2025-08-09.

Conditions:
Encephalopathy, acute, infection-induced (herpes-specific), susceptibility to, 1. Also called: Herpes simplex encephalitis, susceptibility to, 1. Identifiers: Orphanet 1930, MedGen C2750180, MONDO:0024563, OMIM 610551.

gnomAD v4.1: 1 of 1,614,148 alleles (0.000062%); highest among the groups gnomAD compares: Non-Finnish European, 0.000085%; no homozygotes.

Submissions (2):

Ambry Genetics
Classification: Uncertain significance. Last evaluated: 2025-08-09. Review status: criteria provided, single submitter. Criteria: Ambry Variant Classification Scheme 2023. Collection method: clinical testing. Allele origin: germline.

Labcorp Genetics (formerly Invitae), Labcorp
Classification: Uncertain significance for Encephalopathy, acute, infection-induced (herpes-specific), susceptibility to, 1. Last evaluated: 2024-05-13. Review status: criteria provided, single submitter. Criteria: Invitae Variant Classification Sherloc (09022015). Collection method: clinical testing. Allele origin: germline.
Comment: This sequence change replaces valine, which is neutral and non-polar, with isoleucine, which is neutral and non-polar, at codon 736 of the TLR3 protein (p.Val736Ile). This variant is not present in population databases (gnomAD no frequency). This variant has not been reported in the literature in individuals affected with TLR3-related conditions. An algorithm developed to predict the effect of missense changes on protein structure and function (PolyPhen-2) suggests that this variant is likely to be tolerated. In summary, the available evidence is currently insufficient to determine the role of this variant in disease. Therefore, it has been classified as a Variant of Uncertain Significance.

NM_003265.3(TLR3):c.2206G>A (p.Val736Ile)

Gene: TLR3 (toll like receptor 3; plus strand). Cytogenetic location: 4q35.1.
Variant type: single nucleotide variant.
Coding change: c.2206G>A on transcript NM_003265.3 (MANE Select); coding-DNA position 2206, G replaced by A.
Protein change: p.Val736Ile; replaces valine 736 with isoleucine.
Molecular consequence: missense variant.
Genome position (GRCh38, 1-based): chr4:186,083,892, G>A. VCF-style: chr4-186083892-G-A. GRCh37 (hg19) VCF-style: chr4-187005046-G-A.
Other names: short protein forms V736I.
Identifiers: ClinVar variation 3690401 (VCV003690401.3).
Genomic context (GRCh38, chr4:186,083,892, plus strand): 5'-TTTATCTTTATTGTACTTCTCATCCACTTTGAGGGCTGGAGGATATCTTTTTATTGGAAT[G>A]TTTCAGTACATCGAGTTCTTGGTTTCAAAGAAATAGACAGACAGACAGAACAGTTTGAAT-3'
Protein context (NP_003256.1, residues 726-746): EGWRISFYWN[Val736Ile]SVHRVLGFKE